The following is an entry in ClinVar:

NM_002439.5(MSH3):c.3303-5C>A

Gene: MSH3 (mutS homolog 3; plus strand). Cytogenetic location: 5q14.1.
Variant type: single nucleotide variant.
Coding change: c.3303-5C>A on transcript NM_002439.5 (MANE Select); 5 bases into the intron before coding-DNA position 3303, C replaced by A.
Molecular consequence: intron variant.
Genome position (GRCh38, 1-based): chr5:80,875,746, C>A. VCF-style: chr5-80875746-C-A. GRCh37 (hg19) VCF-style: chr5-80171565-C-A.
Identifiers: ClinVar variation 1730001 (VCV001730001.5), dbSNP rs2112131686, ClinGen allele CA2580073604.

ClinVar aggregate classification (germline): Uncertain significance. Review status: criteria provided, multiple submitters, no conflicts (2 of 4 stars). 2 submissions from 2 submitters: Uncertain significance (2). Last evaluated 2025-11-24.

Conditions:
Hereditary cancer-predisposing syndrome. Also called: Neoplastic Syndromes, Hereditary; Tumor predisposition; Hereditary Cancer Syndrome; Hereditary neoplastic syndrome. Identifiers: Orphanet 140162, MedGen C0027672, MeSH D009386, MONDO:0015356.

Submissions (2):

Labcorp Genetics (formerly Invitae), Labcorp
Classification: Uncertain significance. Last evaluated: 2025-11-24. Review status: criteria provided, single submitter. Criteria: Invitae Variant Classification Sherloc (09022015). Collection method: clinical testing. Allele origin: germline.
Comment: This sequence change falls in intron 23 of the MSH3 gene. It does not directly change the encoded amino acid sequence of the MSH3 protein. This variant is not present in population databases (gnomAD no frequency). This variant has not been reported in the literature in individuals affected with MSH3-related conditions. ClinVar contains an entry for this variant (Variation ID: 1730001). Algorithms developed to predict the effect of sequence changes on RNA splicing suggest that this variant may disrupt the consensus splice site. In summary, the available evidence is currently insufficient to determine the role of this variant in disease. Therefore, it has been classified as a Variant of Uncertain Significance.

Ambry Genetics
Classification: Uncertain significance for Hereditary cancer-predisposing syndrome. Last evaluated: 2022-09-17. Review status: criteria provided, single submitter. Criteria: Ambry Variant Classification Scheme 2023. Collection method: clinical testing. Allele origin: germline.
Comment: The c.3303-5C>A intronic variant results from a C to A substitution 5 nucleotides upstream from coding exon 24 in the MSH3 gene. This nucleotide position is poorly conserved in available vertebrate species. In silico splice site analysis predicts that this alteration will not have any significant effect on splicing. Since supporting evidence is limited at this time, the clinical significance of this alteration remains unclear.